The following is an entry in ClinVar:

NM_004064.5(CDKN1B):c.427G>A (p.Gly143Arg)

Gene: CDKN1B (cyclin dependent kinase inhibitor 1B; plus strand). Cytogenetic location: 12p13.1.
Variant type: single nucleotide variant.
Coding change: c.427G>A on transcript NM_004064.5 (MANE Select); coding-DNA position 427, G replaced by A.
Protein change: p.Gly143Arg; replaces glycine 143 with arginine.
Molecular consequence: missense variant.
Genome position (GRCh38, 1-based): chr12:12,718,266, G>A. VCF-style: chr12-12718266-G-A. GRCh37 (hg19) VCF-style: chr12-12871200-G-A.
Other names: short protein forms G143R.
Identifiers: ClinVar variation 852895 (VCV000852895.8), dbSNP rs1946499047, ClinGen allele CA383970734.

ClinVar aggregate classification (germline): Uncertain significance. Review status: criteria provided, multiple submitters, no conflicts (2 of 4 stars). 2 submissions from 2 submitters: Uncertain significance (2). Last evaluated 2026-01-08.

Conditions:
Multiple endocrine neoplasia type 4. Also called: MULTIPLE ENDOCRINE NEOPLASIA, TYPE IV. Identifiers: Orphanet 276152, MedGen C1970712, MONDO:0012552, OMIM 610755.

Submissions (2):

Helix
Classification: Uncertain significance for Multiple endocrine neoplasia type 4. Last evaluated: 2026-01-08. Review status: criteria provided, single submitter. Criteria: ACMG Guidelines, 2015. Collection method: clinical testing. Allele origin: germline. Inheritance: Autosomal dominant inheritance.
Comment: This variant (NM_004064.5:c.427G>A p.Gly143Arg) results in the substitution of glycine with arginine at codon 143 in the CDKN1B protein. It is a rare variant that is absent from the large gnomAD population database (v4.1). To our knowledge, this variant has not been reported in individuals with CDKN1B-related conditions in the published literature. In silico prediction from REVEL (PMID: 27666373) suggests that this variant may be benign. This variant is present in ClinVar (Variation ID: 852895). In conclusion, since the available evidence is limited, the clinical significance of this variant is unclear at this time. Therefore, it is classified as a Variant of Uncertain Significance.

Labcorp Genetics (formerly Invitae), Labcorp
Classification: Uncertain significance for Multiple endocrine neoplasia type 4. Last evaluated: 2021-12-09. Review status: criteria provided, single submitter. Criteria: Invitae Variant Classification Sherloc (09022015). Collection method: clinical testing. Allele origin: germline.
Comment: This sequence change replaces glycine, which is neutral and non-polar, with arginine, which is basic and polar, at codon 143 of the CDKN1B protein (p.Gly143Arg). This variant is not present in population databases (gnomAD no frequency). This variant has not been reported in the literature in individuals affected with CDKN1B-related conditions. ClinVar contains an entry for this variant (Variation ID: 852895). Algorithms developed to predict the effect of missense changes on protein structure and function are either unavailable or do not agree on the potential impact of this missense change (SIFT: "Deleterious"; PolyPhen-2: "Possibly Damaging"; Align-GVGD: "Class C0"). In summary, the available evidence is currently insufficient to determine the role of this variant in disease. Therefore, it has been classified as a Variant of Uncertain Significance.